The following is an entry in ClinVar:

NM_153240.5(NPHP3):c.961T>C (p.Tyr321His)

Genes: NPHP3 (nephrocystin 3; minus strand), NPHP3-ACAD11 (NPHP3-ACAD11 readthrough (NMD candidate); minus strand). Cytogenetic location: 3q22.1.
Variant type: single nucleotide variant.
Coding change: c.961T>C on transcript NM_153240.5 (MANE Select); coding-DNA position 961, T replaced by C.
Protein change: p.Tyr321His; replaces tyrosine 321 with histidine.
Molecular consequence: missense variant. On other transcripts: non-coding transcript variant (1).
Genome position (GRCh38, 1-based): chr3:132,713,283, A>G on the plus strand (T>C on the coding strand, the complement: NPHP3 is on the minus strand). VCF-style: chr3-132713283-A-G. GRCh37 (hg19) VCF-style: chr3-132432127-A-G.
Other names: short protein forms Y321H.
Identifiers: ClinVar variation 1714364 (VCV001714364.3), dbSNP rs752801926, ClinGen allele CA2622443.
Genomic context (GRCh38, chr3:132,713,283, plus strand): 5'-AATAAACAGCATGGAAAAAATATCCCATTGTCTCGCACATTCTCTTAAGTTTAGGTGAAT[A>G]GTCCTAAAAACAAATGAAAACATACAAAAGTTTAATGTATTTAACTAAAGATCAAGTGAG-3'
Protein context (NP_694972.3, residues 311-331): QPEMDLFLKD[Tyr321His]SPKLKRMCET

ClinVar aggregate classification (germline): Uncertain significance (1 of 4 stars; one submission).

Conditions:
Nephronophthisis. Also called: Juvenile Nephronophthisis. Identifiers: Orphanet 655, MedGen C0687120, MONDO:0019005, HP:0000090.

Allele frequency attached by ClinVar (database versions not stated): gnomAD exomes below 0.00001; ExAC 0.00001.
gnomAD v4.1: 1 of 1,591,554 alleles (0.000063%); highest among the groups gnomAD compares: Non-Finnish European, 0.000086%; no homozygotes.

Submission:

Labcorp Genetics (formerly Invitae), Labcorp
Classification: Uncertain significance for Nephronophthisis. Last evaluated: 2022-07-15. Review status: criteria provided, single submitter. Criteria: Invitae Variant Classification Sherloc (09022015). Collection method: clinical testing. Allele origin: germline.
Comment: In summary, the available evidence is currently insufficient to determine the role of this variant in disease. Therefore, it has been classified as a Variant of Uncertain Significance. Algorithms developed to predict the effect of missense changes on protein structure and function output the following: SIFT: "Tolerated"; PolyPhen-2: "Benign"; Align-GVGD: "Class C0". The histidine amino acid residue is found in multiple mammalian species, which suggests that this missense change does not adversely affect protein function. This variant has not been reported in the literature in individuals affected with NPHP3-related conditions. This variant is present in population databases (rs752801926, gnomAD 0.0009%). This sequence change replaces tyrosine, which is neutral and polar, with histidine, which is basic and polar, at codon 321 of the NPHP3 protein (p.Tyr321His).